The following is an entry in ClinVar:

ClinVar aggregate classification (germline): Likely benign. Review status: criteria provided, multiple submitters, no conflicts (2 of 4 stars). 4 submissions from 2 submitters: Likely benign (4). Last evaluated 2025-12-15.

Conditions:
Polydactyly. Also called: polydactylism. Identifiers: MedGen C0152427, MONDO:0021003, OMIM 603596, HP:0010442.
Pallister-Hall syndrome (PHS). Also called: GLI3-Related Pallister-Hall Syndrome; HYPOTHALAMIC HAMARTOBLASTOMA, HYPOPITUITARISM, IMPERFORATE ANUS, AND POSTAXIAL POLYDACTYLY. Identifiers: Orphanet 672, MedGen C0265220, MONDO:0007804, OMIM 146510.
Greig cephalopolysyndactyly syndrome (GCPS). Also called: Greig syndrome; POLYSYNDACTYLY WITH PECULIAR SKULL SHAPE; GLI3-Related Greig Cephalopolysyndactyly Syndrome. Identifiers: Orphanet 380, MedGen C0265306, MONDO:0008287, OMIM 175700.

Allele frequency attached by ClinVar (database versions not stated): gnomAD 0.00004; TOPMed 0.00004; ExAC 0.00005; gnomAD exomes 0.00006 and 0.00014; ESP Exome Variant Server 0.00008.
gnomAD v4.1: 208 of 1,613,958 alleles (0.013%); highest among the groups gnomAD compares: Non-Finnish European, 0.017%; no homozygotes.

Submissions (4):

Labcorp Genetics (formerly Invitae), Labcorp
Classification: Likely benign for Pallister-Hall syndrome; Greig cephalopolysyndactyly syndrome. Last evaluated: 2025-12-15. Review status: criteria provided, single submitter. Criteria: Invitae Variant Classification Sherloc (09022015). Collection method: clinical testing. Allele origin: germline.

Illumina Laboratory Services, Illumina
Classification: Likely benign for Polydactyly. Last evaluated: 2018-01-12. Review status: criteria provided, single submitter. Criteria: ICSL Variant Classification Criteria 13 December 2019. Collection method: clinical testing. Allele origin: germline.
Comment: This variant was observed in the ICSL laboratory as part of a predisposition screen in an ostensibly healthy population. It had not been previously curated by ICSL or reported in the Human Gene Mutation Database (HGMD: prior to June 1st, 2018), and was therefore a candidate for classification through an automated scoring system. Utilizing variant allele frequency, disease prevalence and penetrance estimates, and inheritance mode, an automated score was calculated to assess if this variant is too frequent to cause the disease. Based on the score and internal cut-off values, a variant classified as likely benign is not then subjected to further curation. The score for this variant resulted in a classification of likely benign for this disease.

Illumina Laboratory Services, Illumina
Classification: Likely benign for Pallister-Hall syndrome. Last evaluated: 2018-01-12. Review status: criteria provided, single submitter. Criteria: ICSL Variant Classification Criteria 13 December 2019. Collection method: clinical testing. Allele origin: germline.
Comment: the same text as in the submission from Illumina Laboratory Services, Illumina above.

Illumina Laboratory Services, Illumina
Classification: Likely benign for Greig cephalopolysyndactyly syndrome. Last evaluated: 2018-01-12. Review status: criteria provided, single submitter. Criteria: ICSL Variant Classification Criteria 13 December 2019. Collection method: clinical testing. Allele origin: germline.
Comment: the same text as in the submission from Illumina Laboratory Services, Illumina above.

NM_000168.6(GLI3):c.963C>T (p.Leu321=)

Gene: GLI3 (GLI family zinc finger 3; minus strand). Cytogenetic location: 7p14.1.
Variant type: single nucleotide variant.
Coding change: c.963C>T on transcript NM_000168.6 (MANE Select); coding-DNA position 963, C replaced by T.
Protein change: p.Leu321=; no amino-acid change (leucine 321 retained).
Molecular consequence: synonymous variant.
Genome position (GRCh38, 1-based): chr7:42,040,103, G>A on the plus strand (C>T on the coding strand, the complement: GLI3 is on the minus strand). VCF-style: chr7-42040103-G-A. GRCh37 (hg19) VCF-style: chr7-42079702-G-A.
Identifiers: ClinVar variation 703366 (VCV000703366.8), dbSNP rs34965132, ClinGen allele CA4231009.